The following is an entry in ClinVar:

NM_173825.5(RABL3):c.261C>T (p.Ser87=)

Gene: RABL3 (RAB, member of RAS oncogene family like 3; minus strand). Cytogenetic location: 3q13.33.
Variant type: single nucleotide variant.
Coding change: c.261C>T on transcript NM_173825.5 (MANE Select); coding-DNA position 261, C replaced by T.
Protein change: p.Ser87=; no amino-acid change (serine 87 retained).
Molecular consequence: synonymous variant. On other transcripts: non-coding transcript variant (1).
Genome position (GRCh38, 1-based): chr3:120,709,787, G>A on the plus strand (C>T on the coding strand, the complement: RABL3 is on the minus strand). VCF-style: chr3-120709787-G-A. GRCh37 (hg19) VCF-style: chr3-120428634-G-A.
Other names: c.261C>T, p.Ser87= (NM_001363964.1, NM_001363965.1).
Identifiers: ClinVar variation 2654061 (VCV002654061.25), dbSNP rs35389318, ClinGen allele CA2560575.
Genomic context (GRCh38, chr3:120,709,787, plus strand): 5'-TGATCTATACTCTTAGACCATTAATATAAGATAGAAATTTAAAAATGTTTTACCATTTAC[G>A]GAGTTGTAGAATACTGCTCTTGTGCTTTTCACGCTGCTGGCACTGCCCACAGAGCCTCCA-3'
Protein context (NP_776186.2, residues 77-97): VKSTRAVFYN[Ser87=]VNGIIFVHDL

ClinVar aggregate classification (germline): Likely benign. Review status: criteria provided, single submitter (1 of 4 stars). 2 submissions from 2 submitters: Likely benign (1). 1 of the submissions does not count toward it. Last evaluated 2025-10-01.

Conditions:
RABL3-related disorder. Also called: RABL3-related condition.

Allele frequency attached by ClinVar (database versions not stated): 1000 Genomes Project 0.00260; 1000 Genomes Project 30x 0.00297; TOPMed 0.00381; gnomAD 0.00402; ExAC 0.00426; ESP Exome Variant Server 0.00569; gnomAD exomes 0.00582.
gnomAD v4.1: 9,016 of 1,607,196 alleles (0.56%); highest among the groups gnomAD compares: Non-Finnish European, 0.68%; 40 homozygotes.

Submissions (2):

CeGaT Center for Human Genetics Tuebingen
Classification: Likely benign. Last evaluated: 2025-10-01. Review status: criteria provided, single submitter. Criteria: CeGaT Center For Human Genetics Tuebingen Variant Classification Criteria Version 2. Collection method: clinical testing. Allele origin: germline. Affected: yes. Observed: 6 variant alleles.
Comment: RABL3: BP4, BP7, BS2

PreventionGenetics, part of Exact Sciences
Classification: Benign for RABL3-related condition. Last evaluated: 2019-11-16. Review status: no assertion criteria provided. Collection method: clinical testing. Allele origin: germline. Not counted in ClinVar's aggregate classification.
Comment: This variant is classified as benign based on ACMG/AMP sequence variant interpretation guidelines (Richards et al. 2015 PMID: 25741868, with internal and published modifications).